The following is an entry in ClinVar:

ClinVar aggregate classification (germline): Conflicting classifications of pathogenicity. Review status: criteria provided, conflicting classifications (1 of 4 stars). 3 submissions from 3 submitters: Likely pathogenic (2); Uncertain significance (1). Last evaluated 2018-06-19.

Conditions:
Early-infantile DEE. Also called: Early infantile epileptic encephalopathy; Ohtahara syndrome; Early infantile epileptic encephalopathy with suppression bursts. Identifiers: Orphanet 1934, MedGen C0393706, MONDO:0800491.

Submissions (3):

Labcorp Genetics (formerly Invitae), Labcorp
Classification: Likely pathogenic for Early-infantile DEE. Last evaluated: 2018-06-19. Review status: criteria provided, single submitter. Criteria: Invitae Variant Classification Sherloc (09022015). Collection method: clinical testing. Allele origin: germline.
Comment: This variant has been observed to be de novo in an individual affected with early infantile epileptic encephalopathy (PMID: 29121005). ClinVar contains an entry for this variant (Variation ID: 373565). Algorithms developed to predict the effect of missense changes on protein structure and function are either unavailable or do not agree on the potential impact of this missense change (SIFT: "Deleterious"; PolyPhen-2: "Probably Damaging"; Align-GVGD: "Class C0"). In summary, the currently available evidence indicates that the variant is pathogenic, but additional data are needed to prove that conclusively. Therefore, this variant has been classified as Likely Pathogenic. This sequence change replaces valine with alanine at codon 211 of the SCN8A protein (p.Val211Ala). The valine residue is highly conserved and there is a small physicochemical difference between valine and alanine. This variant is not present in population databases (ExAC no frequency).

Eurofins Ntd Llc (ga)
Classification: Uncertain significance. Last evaluated: 2017-06-13. Review status: criteria provided, single submitter. Criteria: EGL Classification Definitions 2015. Collection method: clinical testing. Allele origin: germline. Observed: 1 variant allele, 1 heterozygote.

GeneDx
Classification: Likely pathogenic. Last evaluated: 2016-12-01. Review status: criteria provided, single submitter. Criteria: GeneDx Variant Classification (06012015). Collection method: clinical testing. Allele origin: germline. Affected: yes.
Comment: A novel V211A variant that is likely pathogenic has been identified in the SCN8A gene. The V211A variant has not been published as a pathogenic variant, nor has it been reported as a benign variant to our knowledge. This variant is not observed in large population cohorts (Lek et al., 2016; 1000 Genomes Consortium et al., 2015; Exome Variant Server). The V211A variant is a conservative amino acid substitution that occurs at a conserved position predicted to alter a residue within the S3 of the helical transmembrane region of repeat I, and in silico analysis predicts this variant is probably damaging to the protein structure/function. Therefore, we interpret V211A as a likely pathogenic variant.

Literature cited by the submitters: PubMed 29121005 (cited by Labcorp Genetics (formerly Invitae), Labcorp).

NM_014191.4(SCN8A):c.632T>C (p.Val211Ala)

Gene: SCN8A (sodium voltage-gated channel alpha subunit 8; plus strand). Cytogenetic location: 12q13.13.
Variant type: single nucleotide variant.
Coding change: c.632T>C on transcript NM_014191.4 (MANE Plus Clinical); coding-DNA position 632, T replaced by C.
Protein change: p.Val211Ala; replaces valine 211 with alanine.
Molecular consequence: missense variant. On other transcripts: intron variant (2).
Genome position (GRCh38, 1-based): chr12:51,688,775, T>C. VCF-style: chr12-51688775-T-C. GRCh37 (hg19) VCF-style: chr12-52082559-T-C.
Other names: c.632T>C, p.Val211Ala (NM_001177984.3); c.615-230T>C (NM_001330260.2, NM_001369788.1); short protein forms V211A.
Identifiers: ClinVar variation 373565 (VCV000373565.14), dbSNP rs1057518487, ClinGen allele CA16042901.